The following is an entry in ClinVar:

NM_001384732.1(CPLANE1):c.8633-1G>C

Gene: CPLANE1 (ciliogenesis and planar polarity effector complex subunit 1; minus strand). Cytogenetic location: 5p13.2.
Variant type: single nucleotide variant.
Coding change: c.8633-1G>C on transcript NM_001384732.1 (MANE Select); the canonical splice acceptor site of the intron before coding-DNA position 8633, G replaced by C.
Molecular consequence: splice acceptor variant.
Genome position (GRCh38, 1-based): chr5:37,139,371, C>G on the plus strand (G>C on the coding strand, the complement: CPLANE1 is on the minus strand). VCF-style: chr5-37139371-C-G. GRCh37 (hg19) VCF-style: chr5-37139473-C-G.
Other names: c.8471-1G>C (NM_023073.4).
Identifiers: ClinVar variation 575938 (VCV000575938.12), dbSNP rs1561376123, ClinGen allele CA359506919.

ClinVar aggregate classification (germline): Pathogenic. Review status: criteria provided, multiple submitters, no conflicts (2 of 4 stars). 2 submissions from 2 submitters: Pathogenic (2). Last evaluated 2026-01-27.

Submissions (2):

GeneDx
Classification: Pathogenic. Last evaluated: 2026-01-27. Review status: criteria provided, single submitter. Criteria: GeneDx Variant Classification Process June 2021. Collection method: clinical testing. Allele origin: germline. Affected: yes.
Comment: Canonical splice site variant predicted to result in a null allele in a gene for which loss of function is a known mechanism of disease; Not observed at significant frequency in large population cohorts (gnomAD); This variant is associated with the following publications: (PMID: 27894351, 29605658, 34645488, 27081551, 27535533, 32552793)

Labcorp Genetics (formerly Invitae), Labcorp
Classification: Pathogenic. Last evaluated: 2022-06-17. Review status: criteria provided, single submitter. Criteria: Invitae Variant Classification Sherloc (09022015). Collection method: clinical testing. Allele origin: germline.
Comment: For these reasons, this variant has been classified as Pathogenic. Algorithms developed to predict the effect of sequence changes on RNA splicing suggest that this variant may disrupt the consensus splice site. ClinVar contains an entry for this variant (Variation ID: 575938). Disruption of this splice site has been observed in individual(s) with oral-facial-digital syndrome (PMID: 27081551, 27894351). This variant is not present in population databases (gnomAD no frequency). This sequence change affects an acceptor splice site in intron 43 of the CPLANE1 gene. It is expected to disrupt RNA splicing. Variants that disrupt the donor or acceptor splice site typically lead to a loss of protein function (PMID: 16199547), and loss-of-function variants in CPLANE1 are known to be pathogenic (PMID: 24178751, 26092869).

Literature cited by the submitters: PubMed 27081551 (cited by Labcorp Genetics (formerly Invitae), Labcorp); PubMed 27894351 (cited by Labcorp Genetics (formerly Invitae), Labcorp); PubMed 16199547 (cited by Labcorp Genetics (formerly Invitae), Labcorp); PubMed 24178751 (cited by Labcorp Genetics (formerly Invitae), Labcorp); PubMed 26092869 (cited by Labcorp Genetics (formerly Invitae), Labcorp).